The following is an entry in ClinVar:

NM_000135.4(FANCA):c.2571C>A (p.Cys857Ter)

Gene: FANCA (FA complementation group A; minus strand). Cytogenetic location: 16q24.3.
Variant type: single nucleotide variant.
Coding change: c.2571C>A on transcript NM_000135.4 (MANE Select); coding-DNA position 2571, C replaced by A.
Protein change: p.Cys857Ter; replaces cysteine 857 with a stop codon.
Molecular consequence: nonsense.
Genome position (GRCh38, 1-based): chr16:89,767,171, G>T on the plus strand (C>A on the coding strand, the complement: FANCA is on the minus strand). VCF-style: chr16-89767171-G-T. GRCh37 (hg19) VCF-style: chr16-89833579-G-T.
Other names: c.2571C>A, p.Cys857Ter (NM_001286167.3); short protein forms C857*.
Identifiers: ClinVar variation 2445740 (VCV002445740.4), dbSNP rs2039158032, ClinGen allele CA397440487.

ClinVar aggregate classification (germline): Pathogenic. Review status: criteria provided, multiple submitters, no conflicts (2 of 4 stars). 4 submissions from 4 submitters: Pathogenic (4). Last evaluated 2025-01-07.

Conditions:
FANCA-related disorder. Also called: FANCA-related condition.
Fanconi anemia (FA). Also called: Fanconi's anemia. Identifiers: Orphanet 84, MedGen C0015625, MeSH D005199, MONDO:0019391.
Fanconi anemia complementation group A (FANCA). Also called: Fanconi anemia, group A; FANCA-Related Fanconi Anemia. Identifiers: Orphanet 84, MedGen C3469521, MONDO:0009215, OMIM 227650.

Submissions (4):

PreventionGenetics, part of Exact Sciences
Classification: Pathogenic for FANCA-related condition. Last evaluated: 2025-01-07. Review status: criteria provided, single submitter. Criteria: ACMG Guidelines, 2015. Collection method: clinical testing. Allele origin: germline.
Comment: The FANCA c.2571C>A variant is predicted to result in premature protein termination (p.Cys857*). This variant has been reported in an individual with breast cancer (Table S2 in del Valle et al. 2020. PubMed ID: 32235514). This variant has not been reported in a large population database (gnomAD), indicating this variant is rare. Nonsense variants in FANCA are expected to be pathogenic. This variant is interpreted as pathogenic.

Fulgent Genetics
Classification: Pathogenic for Fanconi anemia complementation group A. Last evaluated: 2024-03-22. Review status: criteria provided, single submitter. Criteria: ACMG Guidelines, 2015. Collection method: clinical testing. Allele origin: germline.

Myriad Genetics, Inc.
Classification: Pathogenic for Fanconi anemia complementation group A. Last evaluated: 2023-10-17. Review status: criteria provided, single submitter. Criteria: Myriad Autosomal Dominant, Autosomal Recessive and X-Linked Classification Criteria (2023). Collection method: clinical testing. Allele origin: unknown.
Comment: NM_000135.2(FANCA):c.2571C>A(C857*) is expected to be pathogenic in the context of Fanconi anemia complementation group A. This variant is predicted to lead to an abnormal or absent protein product due to the creation of a premature termination codon in FANCA, a gene where loss-of-function variants are known to be pathogenic. Please note: this variant was assessed in the context of healthy population screening.

Women's Health and Genetics/Laboratory Corporation of America, LabCorp
Classification: Pathogenic for Fanconi anemia. Last evaluated: 2023-02-01. Review status: criteria provided, single submitter. Criteria: LabCorp Variant Classification Summary - May 2015. Collection method: clinical testing. Allele origin: germline.
Comment: Variant summary: FANCA c.2571C>A (p.Cys857X) results in a premature termination codon, predicted to cause a truncation of the encoded protein or absence of the protein due to nonsense mediated decay, which are commonly known mechanisms for disease. Truncations downstream of this position have been classified as pathogenic by our laboratory. The variant was absent in 251456 control chromosomes. c.2571C>A has been reported in the literature in individuals affected with breast cancer. These data indicate that the variant may be associated with disease. To our knowledge, no experimental evidence demonstrating an impact on protein function has been reported. No clinical diagnostic laboratories have submitted clinical-significance assessments for this variant to ClinVar after 2014. Based on the evidence outlined above, the variant was classified as pathogenic.

Literature cited by the submitters: PubMed 32235514 (cited by Women's Health and Genetics/Laboratory Corporation of America, LabCorp); PubMed 31395037 (cited by Women's Health and Genetics/Laboratory Corporation of America, LabCorp).